The following is an entry in ClinVar:

NM_000719.7(CACNA1C):c.6213A>G (p.Ile2071Met)

Genes: CACNA1C (calcium voltage-gated channel subunit alpha1 C; plus strand), CACNA1C-AS1 (CACNA1C antisense RNA 1; minus strand). Cytogenetic location: 12p13.33.
Variant type: single nucleotide variant.
Coding change: c.6213A>G on transcript NM_000719.7 (MANE Select); coding-DNA position 6213, A replaced by G.
Protein change: p.Ile2071Met; replaces isoleucine 2071 with methionine.
Molecular consequence: missense variant.
Genome position (GRCh38, 1-based): chr12:2,690,995, A>G. VCF-style: chr12-2690995-A-G. GRCh37 (hg19) VCF-style: chr12-2800161-A-G.
Other names: c.6357A>G, p.Ile2119Met (NM_001129827.2); c.6336A>G, p.Ile2112Met (NM_001129829.2); c.6318A>G, p.Ile2106Met (NM_001129830.3, NM_001167624.3); c.6297A>G, p.Ile2099Met (NM_001129831.2); c.6273A>G, p.Ile2091Met (NM_001129832.2); c.6270A>G, p.Ile2090Met (NM_001129833.2, NM_001129834.2, NM_001129835.2); c.6264A>G, p.Ile2088Met (NM_001129836.2); c.6237A>G, p.Ile2079Met (NM_001129837.2, NM_001129838.2); and 6 more; short protein forms I2091M, I2099M, I2106M, I2112M, I2119M, I2071M, I2079M, I2090M.
Identifiers: ClinVar variation 2902207 (VCV002902207.3), dbSNP rs778147251, ClinGen allele CA383386407.

ClinVar aggregate classification (germline): Uncertain significance (1 of 4 stars; one submission).

Conditions:
Long QT syndrome (LQTS). Identifiers: MedGen C0023976, MeSH D008133, MONDO:0002442. Disease mechanism: loss of function. Inheritance: Various modes of inheritance.

Submission:

Labcorp Genetics (formerly Invitae), Labcorp
Classification: Uncertain significance for Long QT syndrome. Last evaluated: 2023-11-13. Review status: criteria provided, single submitter. Criteria: Invitae Variant Classification Sherloc (09022015). Collection method: clinical testing. Allele origin: germline.
Comment: This sequence change replaces isoleucine, which is neutral and non-polar, with methionine, which is neutral and non-polar, at codon 2071 of the CACNA1C protein (p.Ile2071Met). This variant is not present in population databases (gnomAD no frequency). This variant has not been reported in the literature in individuals affected with CACNA1C-related conditions. Advanced modeling of protein sequence and biophysical properties (such as structural, functional, and spatial information, amino acid conservation, physicochemical variation, residue mobility, and thermodynamic stability) performed at Invitae indicates that this missense variant is not expected to disrupt CACNA1C protein function with a negative predictive value of 95%. In summary, the available evidence is currently insufficient to determine the role of this variant in disease. Therefore, it has been classified as a Variant of Uncertain Significance.